The following is an entry in ClinVar:

ClinVar aggregate classification (germline): Uncertain significance (1 of 4 stars; one submission).

Conditions:
LAMA2-related muscular dystrophy (LAMA2-RD). Also called: Laminin alpha 2-related dystrophy. Identifiers: MedGen C5679788, MONDO:0100228.

Submission:

Labcorp Genetics (formerly Invitae), Labcorp
Classification: Uncertain significance for LAMA2-related muscular dystrophy. Last evaluated: 2024-11-30. Review status: criteria provided, single submitter. Criteria: Invitae Variant Classification Sherloc (09022015). Collection method: clinical testing. Allele origin: germline.
Comment: This sequence change replaces cysteine, which is neutral and slightly polar, with phenylalanine, which is neutral and non-polar, at codon 86 of the LAMA2 protein (p.Cys86Phe). This variant is not present in population databases (gnomAD no frequency). This variant has not been reported in the literature in individuals affected with LAMA2-related conditions. ClinVar contains an entry for this variant (Variation ID: 2120611). Invitae Evidence Modeling of protein sequence and biophysical properties (such as structural, functional, and spatial information, amino acid conservation, physicochemical variation, residue mobility, and thermodynamic stability) has been performed for this missense variant. However, the output from this modeling did not meet the statistical confidence thresholds required to predict the impact of this variant on LAMA2 protein function. In summary, the available evidence is currently insufficient to determine the role of this variant in disease. Therefore, it has been classified as a Variant of Uncertain Significance.

NM_000426.4(LAMA2):c.257G>T (p.Cys86Phe)

Gene: LAMA2 (laminin subunit alpha 2; plus strand). Cytogenetic location: 6q22.33.
Variant type: single nucleotide variant.
Coding change: c.257G>T on transcript NM_000426.4 (MANE Select); coding-DNA position 257, G replaced by T.
Protein change: p.Cys86Phe; replaces cysteine 86 with phenylalanine.
Molecular consequence: missense variant.
Genome position (GRCh38, 1-based): chr6:129,050,062, G>T. VCF-style: chr6-129050062-G-T. GRCh37 (hg19) VCF-style: chr6-129371207-G-T.
Other names: c.257G>T, p.Cys86Phe (NM_001079823.2); short protein forms C86F.
Identifiers: ClinVar variation 2120611 (VCV002120611.3), dbSNP rs2482238316, ClinGen allele CA365828695.